The following is an entry in ClinVar:

ClinVar aggregate classification (germline): Benign/Likely benign. Review status: criteria provided, multiple submitters, no conflicts (2 of 4 stars). 2 submissions from 2 submitters: Benign (1); Likely benign (1). Last evaluated 2025-02-20.

Conditions:
Pyogenic arthritis-pyoderma gangrenosum-acne syndrome (PAPA). Also called: FAMILIAL RECURRENT ARTHRITIS; PAPA SYNDROME. Identifiers: Orphanet 69126, MedGen C1858361, MONDO:0011462, OMIM 604416.

Allele frequency attached by ClinVar (database versions not stated): TOPMed 0.00001; gnomAD 0.00002 and 0.00003; gnomAD exomes 0.00004 and 0.00009; ExAC 0.00006; 1000 Genomes Project 30x 0.00016; 1000 Genomes Project 0.00020.
gnomAD v4.1: 26 of 1,611,074 alleles (0.0016%); highest among the groups gnomAD compares: Admixed American, 0.043%; no homozygotes.

Submissions (2):

Labcorp Genetics (formerly Invitae), Labcorp
Classification: Likely benign for Pyogenic arthritis-pyoderma gangrenosum-acne syndrome. Last evaluated: 2025-02-20. Review status: criteria provided, single submitter. Criteria: Invitae Variant Classification Sherloc (09022015). Collection method: clinical testing. Allele origin: germline.

GeneDx
Classification: Benign. Last evaluated: 2015-09-18. Review status: criteria provided, single submitter. Criteria: GeneDx Variant Classification (06012015). Collection method: clinical testing. Allele origin: germline. Affected: yes.
Comment: This variant is considered likely benign or benign based on one or more of the following criteria: it is a conservative change, it occurs at a poorly conserved position in the protein, it is predicted to be benign by multiple in silico algorithms, and/or has population frequency not consistent with disease.

NM_003978.5(PSTPIP1):c.643-13C>A

Gene: PSTPIP1 (proline-serine-threonine phosphatase interacting protein 1; plus strand). Cytogenetic location: 15q24.3.
Variant type: single nucleotide variant.
Coding change: c.643-13C>A on transcript NM_003978.5 (MANE Select); 13 bases into the intron before coding-DNA position 643, C replaced by A.
Molecular consequence: intron variant.
Genome position (GRCh38, 1-based): chr15:77,031,167, C>A. VCF-style: chr15-77031167-C-A. GRCh37 (hg19) VCF-style: chr15-77323508-C-A.
Other names: c.643-13C>A (LRG_172t1, NM_001321135.2); c.838-13C>A (NM_001321137.1); c.616-13C>A (NM_001321136.2).
Identifiers: ClinVar variation 245929 (VCV000245929.10), dbSNP rs200459219, ClinGen allele CA7675925.